The following is an entry in ClinVar:

ClinVar aggregate classification (germline): Uncertain significance. Review status: criteria provided, multiple submitters, no conflicts (2 of 4 stars). 2 submissions from 2 submitters: Uncertain significance (2). Last evaluated 2026-01-19.

Conditions:
Inborn genetic diseases. Identifiers: MedGen C0950123, MeSH D030342.
Myasthenic syndrome, congenital, 22 (CMS22). Also called: PREPL DEFICIENCY. Identifiers: MedGen C4479088, MONDO:0044299, OMIM 616224.

Allele frequency attached by ClinVar (database versions not stated): TOPMed 0.00010; ESP Exome Variant Server 0.00015; ExAC 0.00018.
gnomAD v4.1: 191 of 1,613,682 alleles (0.012%); highest among the groups gnomAD compares: Non-Finnish European, 0.015%; no homozygotes.

Submissions (2):

Labcorp Genetics (formerly Invitae), Labcorp
Classification: Uncertain significance for Myasthenic syndrome, congenital, 22. Last evaluated: 2026-01-19. Review status: criteria provided, single submitter. Criteria: Invitae Variant Classification Sherloc (09022015). Collection method: clinical testing. Allele origin: germline.
Comment: This sequence change replaces arginine, which is basic and polar, with leucine, which is neutral and non-polar, at codon 263 of the PREPL protein (p.Arg263Leu). This variant is present in population databases (rs145964404, gnomAD 0.02%). This variant has not been reported in the literature in individuals affected with PREPL-related conditions. ClinVar contains an entry for this variant (Variation ID: 853182). Invitae Evidence Modeling of protein sequence and biophysical properties (such as structural, functional, and spatial information, amino acid conservation, physicochemical variation, residue mobility, and thermodynamic stability) indicates that this missense variant is not expected to disrupt PREPL protein function with a negative predictive value of 80%. In summary, the available evidence is currently insufficient to determine the role of this variant in disease. Therefore, it has been classified as a Variant of Uncertain Significance.

Ambry Genetics
Classification: Uncertain significance for Inborn genetic diseases. Last evaluated: 2021-08-23. Review status: criteria provided, single submitter. Criteria: Ambry Variant Classification Scheme 2023. Collection method: clinical testing. Allele origin: germline.

NM_001171613.2(PREPL):c.521G>T (p.Arg174Leu)

Gene: PREPL (prolyl endopeptidase like; minus strand). Cytogenetic location: 2p21.
Variant type: single nucleotide variant.
Coding change: c.521G>T on transcript NM_001171613.2 (MANE Select); coding-DNA position 521, G replaced by T.
Protein change: p.Arg174Leu; replaces arginine 174 with leucine.
Molecular consequence: missense variant.
Genome position (GRCh38, 1-based): chr2:44,339,328, C>A on the plus strand (G>T on the coding strand, the complement: PREPL is on the minus strand). VCF-style: chr2-44339328-C-A. GRCh37 (hg19) VCF-style: chr2-44566467-C-A.
Other names: c.788G>T, p.Arg263Leu (NM_001042385.2, NM_001042386.2, NM_001171603.1 and 4 more transcripts); c.521G>T, p.Arg174Leu (NM_001171617.1, NM_001374277.1); short protein forms R174L, R263L.
Identifiers: ClinVar variation 853182 (VCV000853182.7), dbSNP rs145964404, ClinGen allele CA1641430.